The following is an entry in ClinVar:

NM_025215.6(PUS1):c.58G>T (p.Gly20Ter)

Gene: PUS1 (pseudouridine synthase 1; plus strand). Cytogenetic location: 12q24.33.
Variant type: single nucleotide variant.
Coding change: c.58G>T on transcript NM_025215.6 (MANE Select); coding-DNA position 58, G replaced by T.
Protein change: p.Gly20Ter; replaces glycine 20 with a stop codon.
Molecular consequence: nonsense. On other transcripts: intron variant (2).
Genome position (GRCh38, 1-based): chr12:131,929,780, G>T. VCF-style: chr12-131929780-G-T. GRCh37 (hg19) VCF-style: chr12-132414325-G-T.
Other names: c.-10-127G>T (NM_001002019.3, NM_001002020.3); short protein forms G20*.
Identifiers: ClinVar variation 2797131 (VCV002797131.3), dbSNP rs866298268, ClinGen allele CA246181743.

ClinVar aggregate classification (germline): Pathogenic (1 of 4 stars; one submission).

Submission:

Labcorp Genetics (formerly Invitae), Labcorp
Classification: Pathogenic. Last evaluated: 2022-12-09. Review status: criteria provided, single submitter. Criteria: Invitae Variant Classification Sherloc (09022015). Collection method: clinical testing. Allele origin: germline.
Comment: For these reasons, this variant has been classified as Pathogenic. This variant has not been reported in the literature in individuals affected with PUS1-related conditions. This variant is not present in population databases (gnomAD no frequency). This sequence change creates a premature translational stop signal (p.Gly20*) in the PUS1 gene. It is expected to result in an absent or disrupted protein product. Loss-of-function variants in PUS1 are known to be pathogenic (PMID: 17056637, 19731322, 25058219, 26556812).

Literature cited by the submitters: PubMed 17056637; PubMed 19731322; PubMed 25058219; PubMed 26556812.